The following is an entry in ClinVar:

NM_014727.3(KMT2B):c.7597G>A (p.Val2533Met)

Gene: KMT2B (lysine methyltransferase 2B; plus strand). Cytogenetic location: 19q13.12.
Variant type: single nucleotide variant.
Coding change: c.7597G>A on transcript NM_014727.3 (MANE Select); coding-DNA position 7597, G replaced by A.
Protein change: p.Val2533Met; replaces valine 2533 with methionine.
Molecular consequence: missense variant.
Genome position (GRCh38, 1-based): chr19:35,737,682, G>A. VCF-style: chr19-35737682-G-A. GRCh37 (hg19) VCF-style: chr19-36228583-G-A.
Other names: short protein forms V2533M.
Identifiers: ClinVar variation 4529647 (VCV004529647.1).

ClinVar aggregate classification (germline): Uncertain significance (1 of 4 stars; one submission).

Submission:

GeneDx
Classification: Uncertain significance. Last evaluated: 2025-05-16. Review status: criteria provided, single submitter. Criteria: GeneDx Variant Classification Process June 2021. Collection method: clinical testing. Allele origin: germline. Affected: yes.
Comment: Not observed at significant frequency in large population cohorts (gnomAD); In silico analysis suggests that this missense variant does not alter protein structure/function; Has not been previously published as pathogenic or benign to our knowledge